The following is an entry in ClinVar:

ClinVar aggregate classification (germline): Pathogenic. Review status: criteria provided, multiple submitters, no conflicts (2 of 4 stars). 2 submissions from 2 submitters: Pathogenic (2). Last evaluated 2026-03-11.

Conditions:
von Willebrand disorder (VWD). Also called: von Willebrand's disease; Von Willebrand disease (hereditary or acquired); von Willebrand Diseases. Identifiers: MedGen C0042974, MeSH D014842, MONDO:0024574.

Allele frequency attached by ClinVar (database versions not stated): gnomAD exomes below 0.00001.
gnomAD v4.1: 2 of 1,614,120 alleles (0.00012%); highest among the groups gnomAD compares: Admixed American, 0.0033%; no homozygotes.

Submissions (2):

Women's Health and Genetics/Laboratory Corporation of America, LabCorp
Classification: Pathogenic for von Willebrand disorder. Last evaluated: 2026-03-11. Review status: criteria provided, single submitter. Criteria: LabCorp Variant Classification Summary - May 2015. Collection method: clinical testing. Allele origin: germline.
Comment: Variant summary: VWF c.5455+1G>A is located in a canonical splice-site and is predicted to affect mRNA splicing resulting in a significantly altered protein due to either exon skipping, shortening, or inclusion of intronic material. Variants that disrupt the consensus splice site are a relatively common cause of aberrant splicing and loss of VWF function. Several computational tools predict a significant impact on normal splicing: Four predict the variant abolishes a canonical 5' splicing donor site. However, these predictions have yet to be confirmed by functional studies. The variant was absent in 251320 control chromosomes (gnomAD). c.5455+1G>A has been observed in individuals affected with Von Willebrand Disease (e.g. Corrales_2012, Borras_2017, Vangenechten_2022, Velasco_2024). These data indicate that the variant is likely to be associated with disease. The following publications have been ascertained in the context of this evaluation (PMID: 22315491, 38909121, 28971901, 36299619). ClinVar contains an entry for this variant (Variation ID: 1330038). Based on the evidence outlined above, the variant was classified as pathogenic.

Quest Diagnostics Nichols Institute San Juan Capistrano
Classification: Pathogenic. Last evaluated: 2020-12-08. Review status: criteria provided, single submitter. Criteria: Quest Diagnostics criteria. Collection method: clinical testing. Allele origin: unknown.
Comment: This variant is located in a canonical splice-donor site and interferes with normal VWF mRNA splicing. The variant has been reported to be associated with autosomal recessive Type 3 von Willebrand disease (PMID: 22315491 (2012), 28971901 (2017)). This variant has not been reported in large, multi-ethnic general populations.

Literature cited by the submitters: PubMed 28971901 (cited by Women's Health and Genetics/Laboratory Corporation of America, LabCorp and Quest Diagnostics Nichols Institute San Juan Capistrano); PubMed 22315491 (cited by Women's Health and Genetics/Laboratory Corporation of America, LabCorp and Quest Diagnostics Nichols Institute San Juan Capistrano); PubMed 36299619 (cited by Women's Health and Genetics/Laboratory Corporation of America, LabCorp); PubMed 38909121 (cited by Women's Health and Genetics/Laboratory Corporation of America, LabCorp).

NM_000552.5(VWF):c.5455+1G>A

Gene: VWF (von Willebrand factor; minus strand). Cytogenetic location: 12p13.31.
Variant type: single nucleotide variant.
Coding change: c.5455+1G>A on transcript NM_000552.5 (MANE Select); the canonical splice donor site of the intron after coding-DNA position 5455, G replaced by A.
Molecular consequence: splice donor variant.
Genome position (GRCh38, 1-based): chr12:6,016,088, C>T on the plus strand (G>A on the coding strand, the complement: VWF is on the minus strand). VCF-style: chr12-6016088-C-T. GRCh37 (hg19) VCF-style: chr12-6125254-C-T.
Identifiers: ClinVar variation 1330038 (VCV001330038.2), dbSNP rs2136408263, ClinGen allele CA383494784.